The following is an entry in ClinVar:

ClinVar aggregate classification (germline): Uncertain significance (1 of 4 stars; one submission).

gnomAD v4.1: 2 of 1,614,096 alleles (0.00012%); highest among the groups gnomAD compares: South Asian, 0.0022%; no homozygotes.

Submission:

Labcorp Genetics (formerly Invitae), Labcorp
Classification: Uncertain significance. Last evaluated: 2023-05-17. Review status: criteria provided, single submitter. Criteria: Invitae Variant Classification Sherloc (09022015). Collection method: clinical testing. Allele origin: germline.
Comment: In summary, the available evidence is currently insufficient to determine the role of this variant in disease. Therefore, it has been classified as a Variant of Uncertain Significance. Advanced modeling of protein sequence and biophysical properties (such as structural, functional, and spatial information, amino acid conservation, physicochemical variation, residue mobility, and thermodynamic stability) performed at Invitae indicates that this missense variant is not expected to disrupt CETP protein function. This variant has not been reported in the literature in individuals affected with CETP-related conditions. This variant is not present in population databases (gnomAD no frequency). This sequence change replaces histidine, which is basic and polar, with glutamine, which is neutral and polar, at codon 42 of the CETP protein (p.His42Gln).

NM_000078.3(CETP):c.126C>G (p.His42Gln)

Gene: CETP (cholesteryl ester transfer protein; plus strand). Cytogenetic location: 16q13.
Variant type: single nucleotide variant.
Coding change: c.126C>G on transcript NM_000078.3 (MANE Select); coding-DNA position 126, C replaced by G.
Protein change: p.His42Gln; replaces histidine 42 with glutamine.
Molecular consequence: missense variant.
Genome position (GRCh38, 1-based): chr16:56,963,017, C>G. VCF-style: chr16-56963017-C-G. GRCh37 (hg19) VCF-style: chr16-56996929-C-G.
Other names: c.126C>G, p.His42Gln (NM_001286085.2); short protein forms H42Q.
Identifiers: ClinVar variation 2865315 (VCV002865315.3), dbSNP rs776857859, ClinGen allele CA395996423.